The following is an entry in ClinVar:

ClinVar aggregate classification (germline): Uncertain significance (1 of 4 stars; one submission).

Submission:

GeneDx
Classification: Uncertain significance. Last evaluated: 2023-01-18. Review status: criteria provided, single submitter. Criteria: GeneDx Variant Classification Process June 2021. Collection method: clinical testing. Allele origin: germline. Affected: yes.
Comment: In-frame deletion of 1 amino acid in a non-repeat region; In silico analysis supports that this variant does not alter protein structure/function; Not observed at significant frequency in large population cohorts (gnomAD); Has not been previously published as pathogenic or benign to our knowledge

NM_018896.5(CACNA1G):c.9GGA[2] (p.Glu5del)

Genes: CACNA1G (calcium voltage-gated channel subunit alpha1 G; plus strand), CACNA1G-AS1 (CACNA1G antisense RNA 1; minus strand). Cytogenetic location: 17q21.33.
Variant type: Microsatellite.
Coding change: c.9GGA[2] on transcript NM_018896.5 (MANE Select); two copies in a row of the 3-base unit GGA starting at c.9; the reference has three copies in a row; one copy, 3 bases deleted.
Protein change: p.Glu5del; deletes glutamic acid 5.
Molecular consequence: inframe deletion. On other transcripts: non-coding transcript variant (5).
Genome position (GRCh38, 1-based): chr17:50,561,474-50,561,476, GGA deleted; deleting any 3 consecutive bases within chr17:50,561,466-50,561,476 gives the same sequence; the position shown is the placement nearest the transcript's 3' end. VCF-style (leftmost placement, unchanged base first): chr17-50561465-CGAG-C. GRCh37 (hg19) VCF-style: chr17-48638826-CGAG-C.
Other names: c.9GGA[2], p.Glu5del (NM_001256324.2, NM_001256325.2, NM_001256326.2 and 24 more transcripts); short protein forms E5del.
Identifiers: ClinVar variation 2573936 (VCV002573936.1), dbSNP rs2544429081, ClinGen allele CA2580613159.